The following is an entry in ClinVar:

NM_006846.4(SPINK5):c.2776A>C (p.Asn926His)

Gene: SPINK5 (serine peptidase inhibitor Kazal type 5; plus strand). Cytogenetic location: 5q32.
Variant type: single nucleotide variant.
Coding change: c.2776A>C on transcript NM_006846.4 (MANE Select); coding-DNA position 2776, A replaced by C.
Protein change: p.Asn926His; replaces asparagine 926 with histidine.
Molecular consequence: missense variant.
Genome position (GRCh38, 1-based): chr5:148,125,759, A>C. VCF-style: chr5-148125759-A-C. GRCh37 (hg19) VCF-style: chr5-147505322-A-C.
Other names: c.2866A>C, p.Asn956His (NM_001127698.2); short protein forms N926H, N956H.
Identifiers: ClinVar variation 2168705 (VCV002168705.2), dbSNP rs1438761641, ClinGen allele CA361649841.

ClinVar aggregate classification (germline): Uncertain significance. Review status: criteria provided, multiple submitters, no conflicts (2 of 4 stars). 2 submissions from 2 submitters: Uncertain significance (2). Last evaluated 2025-03-10.

Conditions:
Inborn genetic diseases. Identifiers: MedGen C0950123, MeSH D030342.
Netherton syndrome (NETH). Also called: NETHERTON DISEASE; ERYTHRODERMA, ICHTHYOSIFORM, WITH HYPOTRICHOSIS AND HYPER-IgE; COMEL-NETHERTON SYNDROME. Identifiers: Orphanet 634, MedGen C5574950, MONDO:0009735, OMIM 256500.

gnomAD v4.1: 57 of 1,614,238 alleles (0.0035%); highest among the groups gnomAD compares: Non-Finnish European, 0.0047%; no homozygotes.

Submissions (2):

Ambry Genetics
Classification: Uncertain significance for Inborn genetic diseases. Last evaluated: 2025-03-10. Review status: criteria provided, single submitter. Criteria: Ambry Variant Classification Scheme 2023. Collection method: clinical testing. Allele origin: germline.

Labcorp Genetics (formerly Invitae), Labcorp
Classification: Uncertain significance for Ichthyosis linearis circumflexa. Last evaluated: 2022-02-18. Review status: criteria provided, single submitter. Criteria: Invitae Variant Classification Sherloc (09022015). Collection method: clinical testing. Allele origin: germline.
Comment: This sequence change replaces asparagine, which is neutral and polar, with histidine, which is basic and polar, at codon 926 of the SPINK5 protein (p.Asn926His). This variant is present in population databases (no rsID available, gnomAD no frequency). This variant has not been reported in the literature in individuals affected with SPINK5-related conditions. Algorithms developed to predict the effect of missense changes on protein structure and function are either unavailable or do not agree on the potential impact of this missense change (SIFT: "Tolerated"; PolyPhen-2: "Possibly Damaging"; Align-GVGD: "Class C0"). In summary, the available evidence is currently insufficient to determine the role of this variant in disease. Therefore, it has been classified as a Variant of Uncertain Significance.